The following is an entry in ClinVar:

NM_004360.5(CDH1):c.1464T>A (p.Pro488=)

Gene: CDH1 (cadherin 1; plus strand). Cytogenetic location: 16q22.1.
Variant type: single nucleotide variant.
Coding change: c.1464T>A on transcript NM_004360.5 (MANE Select); coding-DNA position 1464, T replaced by A.
Protein change: p.Pro488=; no amino-acid change (proline 488 retained).
Molecular consequence: synonymous variant. On other transcripts: 5 prime UTR variant (2).
Genome position (GRCh38, 1-based): chr16:68,815,658, T>A. VCF-style: chr16-68815658-T-A. GRCh37 (hg19) VCF-style: chr16-68849561-T-A.
Other names: c.1464T>A (LRG_301t1); c.1281T>A, p.Pro427= (NM_001317184.2); c.-85T>A (NM_001317185.2); c.-356T>A (NM_001317186.2).
Identifiers: ClinVar variation 230085 (VCV000230085.17), dbSNP rs876658378, ClinGen allele CA10580115.

ClinVar aggregate classification (germline): Benign/Likely benign. Review status: criteria provided, multiple submitters, no conflicts (2 of 4 stars). 4 submissions from 4 submitters: Benign (1); Likely benign (3). Last evaluated 2025-09-03.

Conditions:
Hereditary cancer-predisposing syndrome. Also called: Hereditary Cancer Syndrome; Neoplastic Syndromes, Hereditary; Tumor predisposition; Hereditary neoplastic syndrome. Identifiers: Orphanet 140162, MedGen C0027672, MeSH D009386, MONDO:0015356.
Hereditary diffuse gastric adenocarcinoma (HDGC). Also called: DIFFUSE GASTRIC AND LOBULAR BREAST CANCER SYNDROME. Identifiers: Orphanet 26106, MedGen C1708349, MONDO:0007648, OMIM 137215.

Submissions (4):

Labcorp Genetics (formerly Invitae), Labcorp
Classification: Likely benign for Hereditary diffuse gastric adenocarcinoma. Last evaluated: 2025-09-03. Review status: criteria provided, single submitter. Criteria: Invitae Variant Classification Sherloc (09022015). Collection method: clinical testing. Allele origin: germline.

Myriad Genetics, Inc.
Classification: Benign for Hereditary diffuse gastric adenocarcinoma. Last evaluated: 2024-09-19. Review status: criteria provided, single submitter. Criteria: Myriad Autosomal Dominant, Autosomal Recessive and X-Linked Classification Criteria (2023). Collection method: clinical testing. Allele origin: unknown.
Comment: This variant is considered benign. This variant is a silent/synonymous amino acid change and it is not expected to impact splicing.

Color Diagnostics, LLC DBA Color Health
Classification: Likely benign for Hereditary cancer-predisposing syndrome. Last evaluated: 2019-11-20. Review status: criteria provided, single submitter. Criteria: ACMG Guidelines, 2015. Collection method: clinical testing. Allele origin: germline.

Ambry Genetics
Classification: Likely benign for Hereditary cancer-predisposing syndrome. Last evaluated: 2015-01-13. Review status: criteria provided, single submitter. Criteria: Ambry Variant Classification Scheme 2023. Collection method: clinical testing. Allele origin: germline.